The following is an entry in ClinVar:

ClinVar aggregate classification (germline): Uncertain significance. Review status: criteria provided, single submitter (1 of 4 stars). 2 submissions from 2 submitters: Uncertain significance (1). 1 of the submissions does not count toward it. Last evaluated 2023-01-10.

Conditions:
de Barsy syndrome. Also called: Cutis laxa-corneal clouding-oligophrenia syndrome. Identifiers: Orphanet 2962, MedGen C0268354, MONDO:0017569.
Autosomal dominant spastic paraplegia type 9. Identifiers: MedGen C1832669, MONDO:0015091.
Cutis laxa, autosomal dominant 3 (ADCL3). Identifiers: Orphanet 90348, MedGen C4225268, MONDO:0014706, OMIM 616603.
ALDH18A1-related disorder. Also called: ALDH18A1-related disorders.

gnomAD v4.1: 1 of 1,614,058 alleles (0.000062%); highest among the groups gnomAD compares: East Asian, 0.0022%; no homozygotes.

Submissions (2):

Labcorp Genetics (formerly Invitae), Labcorp
Classification: Uncertain significance for Autosomal dominant spastic paraplegia type 9; de Barsy syndrome; Cutis laxa, autosomal dominant 3. Last evaluated: 2023-01-10. Review status: criteria provided, single submitter. Criteria: Invitae Variant Classification Sherloc (09022015). Collection method: clinical testing. Allele origin: germline.
Comment: In summary, the available evidence is currently insufficient to determine the role of this variant in disease. Therefore, it has been classified as a Variant of Uncertain Significance. Algorithms developed to predict the effect of sequence changes on RNA splicing suggest that this variant may disrupt the consensus splice site. Algorithms developed to predict the effect of missense changes on protein structure and function are either unavailable or do not agree on the potential impact of this missense change (SIFT: "Tolerated"; PolyPhen-2: "Probably Damaging"; Align-GVGD: "Class C0"). ClinVar contains an entry for this variant (Variation ID: 1505728). This variant has not been reported in the literature in individuals affected with ALDH18A1-related conditions. This variant is not present in population databases (gnomAD no frequency). This sequence change replaces alanine, which is neutral and non-polar, with valine, which is neutral and non-polar, at codon 359 of the ALDH18A1 protein (p.Ala359Val).

PreventionGenetics, part of Exact Sciences
Classification: Uncertain significance for ALDH18A1-related condition. Last evaluated: 2024-07-08. Review status: no assertion criteria provided. Collection method: clinical testing. Allele origin: germline. Not counted in ClinVar's aggregate classification.
Comment: The ALDH18A1 c.1076C>T variant is predicted to result in the amino acid substitution p.Ala359Val. To our knowledge, this variant has not been reported in the literature or in a large population database, indicating this variant is rare. At this time, the clinical significance of this variant is uncertain due to the absence of conclusive functional and genetic evidence.

NM_002860.4(ALDH18A1):c.1076C>T (p.Ala359Val)

Gene: ALDH18A1 (aldehyde dehydrogenase 18 family member A1; minus strand). Cytogenetic location: 10q24.1.
Variant type: single nucleotide variant.
Coding change: c.1076C>T on transcript NM_002860.4 (MANE Select); coding-DNA position 1076, C replaced by T.
Protein change: p.Ala359Val; replaces alanine 359 with valine.
Molecular consequence: missense variant.
Genome position (GRCh38, 1-based): chr10:95,627,444, G>A on the plus strand (C>T on the coding strand, the complement: ALDH18A1 is on the minus strand). VCF-style: chr10-95627444-G-A. GRCh37 (hg19) VCF-style: chr10-97387201-G-A.
Other names: c.1070C>T, p.Ala357Val (NM_001017423.2, NM_001323415.2); c.743C>T, p.Ala248Val (NM_001323412.2, NM_001323416.2); c.1076C>T, p.Ala359Val (NM_001323413.2, NM_001323414.2); c.971C>T, p.Ala324Val (NM_001323417.2); c.737C>T, p.Ala246Val (NM_001323418.2); c.440C>T, p.Ala147Val (NM_001323419.2); c.1076C>T (NM_002860.3); short protein forms A147V, A324V, A359V, A246V, A248V, A357V.
Identifiers: ClinVar variation 1505728 (VCV001505728.7), dbSNP rs933310637, ClinGen allele CA211794319.